The following is an entry in ClinVar:

GRCh37/hg19 10q26.2-26.3(chr10:128423873-135126133)x1

Genes: ADAM8 (ADAM metallopeptidase domain 8; minus strand), ADGRA1 (adhesion G protein-coupled receptor A1; plus strand), BNIP3 (BCL2 interacting protein 3; minus strand), CFAP46 (cilia and flagella associated protein 46; minus strand), CLRN3 (clarin 3; minus strand) and 26 more. Cytogenetic location: 10q26.2-26.3.
Variant type: copy number loss.
Change: copy number 1 (one copy instead of two) of chr10:128,423,873-135,126,133 (6.70 Mb, GRCh37 coordinates, 1-based), cytogenetic band 10q26.2-26.3.
Identifiers: ClinVar variation 4682767 (VCV004682767.1).

ClinVar aggregate classification (germline): Pathogenic (1 of 4 stars; one submission).

Submission:

Quest Diagnostics Nichols Institute San Juan Capistrano
Classification: Pathogenic. Last evaluated: 2024-10-18. Review status: criteria provided, single submitter. Criteria: ACMG/ClinGen CNV Guidelines, 2019. Collection method: clinical testing. Allele origin: unknown.
Comment: This 10q26.2q26.3 loss is consistent with the 10q26 contiguous gene deletion syndrome (OMIM 609625). Deletions of this region are associated with a wide range of clinical features (Ciaccio 2023, Lin 2016, Nishi 2021, Plaisancie 2014). Variable expressivity has been suggested with both mild and severe phenotypes seen in individuals with similar breakpoints and gene content (Laudrier 2016, Tanteles 2015). Additionally, EBF3 haploinsufficiency has been associated with hypotonia, ataxia, and delayed development syndrome (OMIM 617330). Therefore, this copy number variant (CNV) is classified as pathogenic. References: Ciaccio et al., Neurol Genet. 2023 Jan 23;9(2):e200049. PMID: 37090941 Laudier et al., Am J Med Genet A. 2016 Jul;170(7):1806-12. PMID: 27113058 Lin et al., Mol Med Rep. 2016 Dec;14(6):5134-5140. PMID: 27779662 Nishi et al., Am J Med Genet A. 2021 Oct;185(10):2913-2921. PMID: 34050706 Plaisancie et al., Eur J Med Genet. 2014 Jan;57(1):47-53. PMID: 24275544 Tanteles et al., Case Rep Genet. 2015;2015:242891. PMID: 26294985